The following is an entry in ClinVar:

ClinVar aggregate classification (germline): Uncertain significance (1 of 4 stars; one submission).

Conditions:
Charcot-Marie-Tooth disease axonal type 2F (CMT2F). Also called: Charcot-Marie-Tooth Neuropathy Type 2F; CHARCOT-MARIE-TOOTH DISEASE, NEURONAL, TYPE 2F. Identifiers: Orphanet 99940, MedGen C1847823, MONDO:0011687, OMIM 606595.

gnomAD v4.1: 4 of 1,553,826 alleles (0.00026%); highest among the groups gnomAD compares: East Asian, 0.0024%; no homozygotes.

Submission:

Labcorp Genetics (formerly Invitae), Labcorp
Classification: Uncertain significance for Charcot-Marie-Tooth disease axonal type 2F. Last evaluated: 2024-10-06. Review status: criteria provided, single submitter. Criteria: Invitae Variant Classification Sherloc (09022015). Collection method: clinical testing. Allele origin: germline.
Comment: This sequence change replaces isoleucine, which is neutral and non-polar, with phenylalanine, which is neutral and non-polar, at codon 63 of the HSPB1 protein (p.Ile63Phe). This variant is not present in population databases (gnomAD no frequency). This variant has not been reported in the literature in individuals affected with HSPB1-related conditions. Invitae Evidence Modeling of protein sequence and biophysical properties (such as structural, functional, and spatial information, amino acid conservation, physicochemical variation, residue mobility, and thermodynamic stability) indicates that this missense variant is not expected to disrupt HSPB1 protein function with a negative predictive value of 95%. In summary, the available evidence is currently insufficient to determine the role of this variant in disease. Therefore, it has been classified as a Variant of Uncertain Significance.

NM_001540.5(HSPB1):c.187A>T (p.Ile63Phe)

Gene: HSPB1 (heat shock protein family B (small) member 1; plus strand). Cytogenetic location: 7q11.23.
Variant type: single nucleotide variant.
Coding change: c.187A>T on transcript NM_001540.5 (MANE Select); coding-DNA position 187, A replaced by T.
Protein change: p.Ile63Phe; replaces isoleucine 63 with phenylalanine.
Molecular consequence: missense variant.
Genome position (GRCh38, 1-based): chr7:76,302,899, A>T. VCF-style: chr7-76302899-A-T. GRCh37 (hg19) VCF-style: chr7-75932216-A-T.
Other names: short protein forms I63F.
Identifiers: ClinVar variation 3702850 (VCV003702850.2).